The following is an entry in ClinVar:

NM_017514.5(PLXNA3):c.2108C>T (p.Thr703Ile)

Gene: PLXNA3 (plexin A3; plus strand). Cytogenetic location: Xq28.
Variant type: single nucleotide variant.
Coding change: c.2108C>T on transcript NM_017514.5 (MANE Select); coding-DNA position 2108, C replaced by T.
Protein change: p.Thr703Ile; replaces threonine 703 with isoleucine.
Molecular consequence: missense variant.
Genome position (GRCh38, 1-based): chrX:154,465,082, C>T. VCF-style: chrX-154465082-C-T. GRCh37 (hg19) VCF-style: chrX-153693425-C-T.
Other names: short protein forms T703I.
Identifiers: ClinVar variation 3348394 (VCV003348394.1).

ClinVar aggregate classification (germline): Uncertain significance (0 of 4 stars; one submission).

Conditions:
PLXNA3-related disorder. Also called: PLXNA3-related condition.

Submission:

PreventionGenetics, part of Exact Sciences
Classification: Uncertain significance for PLXNA3-related condition. Last evaluated: 2023-11-29. Review status: no assertion criteria provided. Collection method: clinical testing. Allele origin: germline.
Comment: The PLXNA3 c.2108C>T variant is predicted to result in the amino acid substitution p.Thr703Ile. To our knowledge, this variant has not been reported in the literature or in a large population database, indicating this variant is rare. At this time, the clinical significance of this variant is uncertain due to the absence of conclusive functional and genetic evidence.